The following is an entry in ClinVar:

ClinVar aggregate classification (germline): Uncertain significance (1 of 4 stars; one submission).

Conditions:
Familial thoracic aortic aneurysm and aortic dissection (TAAD). Also called: Thoracic aortic aneurysms and dissections. Identifiers: Orphanet 91387, MedGen C4707243, MONDO:0019625.

gnomAD v4.1: 15 of 1,614,086 alleles (0.00093%); highest among the groups gnomAD compares: Non-Finnish European, 0.0013%; no homozygotes.

Submission:

Ambry Genetics
Classification: Uncertain significance for Familial thoracic aortic aneurysm and aortic dissection. Last evaluated: 2026-06-23. Review status: criteria provided, single submitter. Criteria: Ambry Variant Classification Scheme 2023. Collection method: clinical testing. Allele origin: germline.
Comment: The c.3704-3C>T intronic variant results from a C to T substitution 3 nucleotides upstream from coding exon 19 in the MYLK gene. This nucleotide position is well conserved in available vertebrate species. In silico splice site analysis predicts that this alteration will not have any significant effect on splicing. Based on the available evidence, the clinical significance of this variant remains unclear.

NM_053025.4(MYLK):c.3704-3C>T

Gene: MYLK (myosin light chain kinase; minus strand). Cytogenetic location: 3q21.1.
Variant type: single nucleotide variant.
Coding change: c.3704-3C>T on transcript NM_053025.4 (MANE Select); 3 bases into the intron before coding-DNA position 3704, C replaced by T.
Molecular consequence: intron variant.
Genome position (GRCh38, 1-based): chr3:123,666,349, G>A on the plus strand (C>T on the coding strand, the complement: MYLK is on the minus strand). VCF-style: chr3-123666349-G-A. GRCh37 (hg19) VCF-style: chr3-123385196-G-A.
Other names: c.3497-3C>T (NM_053026.4, NM_053028.4); c.3704-3C>T (NM_053027.4); c.3176-3C>T (NM_001321309.2).
Identifiers: ClinVar variation 5025195 (VCV005025195.1).